The following is an entry in ClinVar:

NM_000132.4(F8):c.6276G>A (p.Val2092=)

Gene: F8 (coagulation factor VIII; minus strand). Cytogenetic location: Xq28.
Variant type: single nucleotide variant.
Coding change: c.6276G>A on transcript NM_000132.4 (MANE Select); coding-DNA position 6276, G replaced by A.
Protein change: p.Val2092=; no amino-acid change (valine 2092 retained).
Molecular consequence: synonymous variant.
Genome position (GRCh38, 1-based): chrX:154,896,230, C>T on the plus strand (G>A on the coding strand, the complement: F8 is on the minus strand). VCF-style: chrX-154896230-C-T. GRCh37 (hg19) VCF-style: chrX-154124505-C-T.
Other names: NM_000132.4(F8):c.6276G>A; p.Val2092=.
Identifiers: ClinVar variation 810971 (VCV000810971.10), dbSNP rs199522131, ClinGen allele CA10567876.

ClinVar aggregate classification (germline): Benign. Review status: reviewed by expert panel (3 of 4 stars). 3 submissions from 3 submitters: Benign (1). 2 of the submissions do not count toward it. Last evaluated 2026-04-10.

Conditions:
Hereditary factor VIII deficiency disease (HEMA). Also called: HEMOPHILIA, CLASSIC; Hemophilia A; Hemophilia A, congenital; HEM A; Factor 8 deficiency, congenital; AUTOSOMAL HEMOPHILIA A. Identifiers: Orphanet 98878, MedGen C0019069, MONDO:0010602, OMIM 306700.

Allele frequency attached by ClinVar (database versions not stated): ExAC 0.00001; gnomAD 0.00019 and 0.00022; 1000 Genomes Project 30x 0.00021; 1000 Genomes Project 0.00026; TOPMed 0.00033; gnomAD exomes 0.00002.
gnomAD v4.1: 46 of 1,207,983 alleles (0.0038%); highest among the groups gnomAD compares: Admixed American, 0.088%; no homozygotes.

Submissions (3):

ClinGen Coagulation Factor Deficiency Variant Curation Expert Panel, Clingen
Classification: Benign for Hereditary factor VIII deficiency disease. Last evaluated: 2026-04-10. Review status: reviewed by expert panel. Criteria: ClinGen CoagFactor ACMG Specifications F8 V2.0.0. Collection method: curation. Allele origin: germline. Inheritance: X-linked inheritance.
Comment: The c.6276G>A (p.Val2092=) variant is a synonymous variant that is predicted to impact splicing. The Grpmax FAF in gnomAD v4.1.0 is 0.0006600 which is higher than the ClinGen Coagulation Factor Deficiency VCEP threshold (>=0.000333) for BA1, and therefore meets this criterion (BA1). The computational predictor Splice AI gives a score of 0.46 for acceptor gain, which is above the CFD VCEP threshold of >= 0.2, evidence that correlates with impact to F8 function meeting PP3. Due to conflicting evidence, this variant is classified as benign for Hemophilia A based on the ACMG/AMP criteria applied, as specified by the ClinGen Coagulation Factor Deficiency VCEP F8 Version 2.0.0 specifications: BA1, PP3.

GeneDx
Classification: Uncertain significance. Last evaluated: 2024-03-15. Review status: criteria provided, single submitter. Criteria: GeneDx Variant Classification Process June 2021. Collection method: clinical testing. Allele origin: germline. Affected: yes. Not counted in ClinVar's aggregate classification.
Comment: Has not been previously published as pathogenic or benign to our knowledge; In silico analysis suggests this variant may impact gene splicing. In the absence of RNA/functional studies, the actual effect of this sequence change is unknown.

ARUP Laboratories, Molecular Genetics and Genomics, ARUP Laboratories
Classification: Likely benign for Hereditary factor VIII deficiency disease. Last evaluated: 2019-04-11. Review status: criteria provided, single submitter. Criteria: ARUP Molecular Germline Variant Investigation Process. Collection method: clinical testing. Allele origin: germline. Not counted in ClinVar's aggregate classification.